The following is an entry in ClinVar:

ClinVar aggregate classification (germline): Uncertain significance. Review status: criteria provided, multiple submitters, no conflicts (2 of 4 stars). 5 submissions from 5 submitters: Uncertain significance (5). Last evaluated 2025-09-19.

Conditions:
Inborn genetic diseases. Identifiers: MedGen C0950123, MeSH D030342.
PKHD1-related disorder. Also called: PKHD1-related condition.
Polycystic kidney disease 4 (PKD4). Also called: POLYCYSTIC KIDNEY DISEASE 4 WITH OR WITHOUT POLYCYSTIC LIVER DISEASE; Autosomal Recessive Polycystic Kidney Disease – PKHD1; PKD3; POLYCYSTIC KIDNEY AND HEPATIC DISEASE 1; POLYCYSTIC KIDNEY DISEASE, INFANTILE, TYPE I. Identifiers: MedGen C4540575, MONDO:0033004, OMIM 263200.

Allele frequency attached by ClinVar (database versions not stated): ExAC 0.00002; gnomAD exomes 0.00005; TOPMed 0.00005; gnomAD 0.00008 and 0.00009.
gnomAD v4.1: 222 of 1,613,854 alleles (0.014%); highest among the groups gnomAD compares: Non-Finnish European, 0.018%; no homozygotes.

Submissions (5):

PreventionGenetics, part of Exact Sciences
Classification: Uncertain significance for PKHD1-related condition. Last evaluated: 2025-09-19. Review status: criteria provided, single submitter. Criteria: ACMG Guidelines, 2015. Collection method: clinical testing. Allele origin: germline.
Comment: The PKHD1 c.1565C>T variant is predicted to result in the amino acid substitution p.Ser522Phe. To our knowledge, this variant has not been reported in the literature. This variant is reported in 0.011% of alleles in individuals of European (Non-Finnish) descent in gnomAD. At this time, the clinical significance of this variant is uncertain due to the absence of conclusive functional and genetic evidence.

Ambry Genetics
Classification: Uncertain significance for Inborn genetic diseases. Last evaluated: 2025-06-10. Review status: criteria provided, single submitter. Criteria: Ambry Variant Classification Scheme 2023. Collection method: clinical testing. Allele origin: germline.

Revvity Omics, Revvity
Classification: Uncertain significance for Polycystic kidney disease 4. Last evaluated: 2024-02-12. Review status: criteria provided, single submitter. Criteria: ACMG Guidelines, 2015. Collection method: clinical testing. Allele origin: germline.

Fulgent Genetics
Classification: Uncertain significance for Polycystic kidney disease 4. Last evaluated: 2021-12-16. Review status: criteria provided, single submitter. Criteria: ACMG Guidelines, 2015. Collection method: clinical testing. Allele origin: unknown.

Eurofins Ntd Llc (ga)
Classification: Uncertain significance. Last evaluated: 2018-07-26. Review status: criteria provided, single submitter. Criteria: EGL ClinVar v180209 classification definitions. Collection method: clinical testing. Allele origin: germline. Observed: 2 variant alleles, 2 heterozygotes.

NM_138694.4(PKHD1):c.1565C>T (p.Ser522Phe)

Gene: PKHD1 (PKHD1 ciliary IPT domain containing fibrocystin/polyductin; minus strand). Cytogenetic location: 6p12.2.
Variant type: single nucleotide variant.
Coding change: c.1565C>T on transcript NM_138694.4 (MANE Select); coding-DNA position 1565, C replaced by T.
Protein change: p.Ser522Phe; replaces serine 522 with phenylalanine.
Molecular consequence: missense variant.
Genome position (GRCh38, 1-based): chr6:52,056,927, G>A on the plus strand (C>T on the coding strand, the complement: PKHD1 is on the minus strand). VCF-style: chr6-52056927-G-A. GRCh37 (hg19) VCF-style: chr6-51921725-G-A.
Other names: c.1565C>T (NM_138694.3); c.1565C>T, p.Ser522Phe (NM_170724.3); short protein forms S522F.
Identifiers: ClinVar variation 592200 (VCV000592200.11), dbSNP rs746561147, ClinGen allele CA3853518.